The following is an entry in ClinVar:

ClinVar aggregate classification (germline): Uncertain significance (1 of 4 stars; one submission).

Conditions:
Epidermolysis bullosa simplex, Ogna type (EBS5A). Also called: Pidermolysis bullosa simplex 5A, Ogna type; EPIDERMOLYSIS BULLOSA SIMPLEX 5A, OGNA TYPE. Identifiers: Orphanet 79401, MedGen C0432317, MONDO:0007555, OMIM 131950.
Epidermolysis bullosa simplex 5C, with pyloric atresia (EBS5C). Also called: Epidermolysis bullosa simplex with pyloric atresia; PLEC-Related Epidermolysis Bullosa with Pyloric Atresia; PLEC1-Related Epidermolysis Bullosa with Pyloric Atresia. Identifiers: Orphanet 158684, MedGen C2677349, MONDO:0012807, OMIM 612138.
Epidermolysis bullosa simplex with nail dystrophy (EBS5D). Identifiers: MedGen C4225309, MONDO:0014661, OMIM 616487.
Epidermolysis bullosa simplex 5B, with muscular dystrophy (EBS5B). Also called: EPIDERMOLYSIS BULLOSA SIMPLEX AND LIMB-GIRDLE MUSCULAR DYSTROPHY; Epidermolysis bullosa simplex with muscular dystrophy. Identifiers: Orphanet 257, MedGen C2931072, MONDO:0009181, OMIM 226670.
Autosomal recessive limb-girdle muscular dystrophy type 2Q (LGMDR17). Also called: MUSCULAR DYSTROPHY, LIMB-GIRDLE, AUTOSOMAL RECESSIVE 17. Identifiers: Orphanet 254361, MedGen C3150989, MONDO:0013390, OMIM 613723.

Allele frequency attached by ClinVar (database versions not stated): gnomAD exomes below 0.00001; TOPMed 0.00001.
gnomAD v4.1: 3 of 1,602,506 alleles (0.00019%); highest among the groups gnomAD compares: Non-Finnish European, 0.000085%; no homozygotes.

Submission:

Labcorp Genetics (formerly Invitae), Labcorp
Classification: Uncertain significance for Autosomal recessive limb-girdle muscular dystrophy type 2Q; Epidermolysis bullosa simplex, Ogna type; Epidermolysis bullosa simplex with nail dystrophy; Epidermolysis bullosa simplex 5C, with pyloric atresia; Epidermolysis bullosa simplex 5B, with muscular dystrophy. Last evaluated: 2024-06-29. Review status: criteria provided, single submitter. Criteria: Invitae Variant Classification Sherloc (09022015). Collection method: clinical testing. Allele origin: germline.
Comment: This sequence change replaces leucine, which is neutral and non-polar, with phenylalanine, which is neutral and non-polar, at codon 2281 of the PLEC protein (p.Leu2281Phe). This variant is not present in population databases (gnomAD no frequency). This missense change has been observed in individual(s) with clinical features of limb-girdle muscular dystrophy (Invitae). ClinVar contains an entry for this variant (Variation ID: 647211). An algorithm developed to predict the effect of missense changes on protein structure and function (PolyPhen-2) suggests that this variant is likely to be disruptive. In summary, the available evidence is currently insufficient to determine the role of this variant in disease. Therefore, it has been classified as a Variant of Uncertain Significance.

NM_201384.3(PLEC):c.6760C>T (p.Leu2254Phe)

Gene: PLEC (plectin; minus strand). Cytogenetic location: 8q24.3.
Variant type: single nucleotide variant.
Coding change: c.6760C>T on transcript NM_201384.3 (MANE Select); coding-DNA position 6760, C replaced by T.
Protein change: p.Leu2254Phe; replaces leucine 2254 with phenylalanine.
Molecular consequence: missense variant.
Genome position (GRCh38, 1-based): chr8:143,923,169, G>A on the plus strand (C>T on the coding strand, the complement: PLEC is on the minus strand). VCF-style: chr8-143923169-G-A. GRCh37 (hg19) VCF-style: chr8-144997337-G-A.
Other names: c.6841C>T, p.Leu2281Phe (NM_000445.5); c.6718C>T, p.Leu2240Phe (NM_201378.4); c.6694C>T, p.Leu2232Phe (NM_201379.3); c.7171C>T, p.Leu2391Phe (NM_201380.4); c.6664C>T, p.Leu2222Phe (NM_201381.3); c.6760C>T, p.Leu2254Phe (NM_201382.4); c.6772C>T, p.Leu2258Phe (NM_201383.3); short protein forms L2240F, L2222F, L2258F, L2391F, L2232F, L2281F, L2254F.
Identifiers: ClinVar variation 647211 (VCV000647211.8), dbSNP rs1586878428, ClinGen allele CA372532679.